The following is an entry in ClinVar:

ClinVar aggregate classification (germline): Uncertain significance (0 of 4 stars; one submission).

Conditions:
von Willebrand disease type 3 (VWD3). Also called: Type 3 Von Willebrand's disease; Type 3 VWD; Von Willebrand disease, severe form; V WD3; VON WILLEBRAND DISEASE, TYPE III. Identifiers: Orphanet 166096, MedGen C1264041, MONDO:0010191, OMIM 277480.

Allele frequency attached by ClinVar (database versions not stated): gnomAD exomes below 0.00001.
gnomAD v4.1: 1 of 1,614,054 alleles (0.000062%); highest among the groups gnomAD compares: Non-Finnish European, 0.000085%; no homozygotes.

Submission:

Angelo Bianchi Bonomi Hemophilia and Thrombosis Center, Fondazione IRCCS Ca Granda Ospedale Maggiore Policlinico
Classification: Uncertain significance for von Willebrand disease type 3. Last evaluated: 2020-11-01. Review status: no assertion criteria provided. Collection method: clinical testing. Allele origin: germline. Affected: yes. Study: Type 3 Von Willebrand International Registries Inhibitor Prospective Study (3WINTERS-IPS).
Comment: ClinGen Pathogenicity Calculator

NM_000552.5(VWF):c.7287+1G>C

Gene: VWF (von Willebrand factor; minus strand). Cytogenetic location: 12p13.31.
Variant type: single nucleotide variant.
Coding change: c.7287+1G>C on transcript NM_000552.5 (MANE Select); the canonical splice donor site of the intron after coding-DNA position 7287, G replaced by C.
Molecular consequence: splice donor variant.
Genome position (GRCh38, 1-based): chr12:5,981,785, C>G on the plus strand (G>C on the coding strand, the complement: VWF is on the minus strand). VCF-style: chr12-5981785-C-G. GRCh37 (hg19) VCF-style: chr12-6090951-C-G.
Identifiers: ClinVar variation 1065303 (VCV001065303.3), dbSNP rs1235191685, ClinGen allele CA383490706.
Genomic context (GRCh38, chr12:5,981,785, plus strand): 5'-TGACAGCAATAAATAAATGAGTAAACTATTAACTGATAGTTAATAGCCAAGCAGTCCTTA[C>G]CTTGTCGGGAAGGCAGGTGGTTGTGGTACAGCCACAGTCATTGGTGGCAGTTGAGGCCAA-3'